The following is an entry in ClinVar:

NM_024757.5(EHMT1):c.170C>G (p.Ser57Cys)

Gene: EHMT1 (euchromatic histone lysine methyltransferase 1; plus strand). Cytogenetic location: 9q34.3.
Variant type: single nucleotide variant.
Coding change: c.170C>G on transcript NM_024757.5 (MANE Select); coding-DNA position 170, C replaced by G.
Protein change: p.Ser57Cys; replaces serine 57 with cysteine.
Molecular consequence: missense variant.
Genome position (GRCh38, 1-based): chr9:137,716,710, C>G. VCF-style: chr9-137716710-C-G. GRCh37 (hg19) VCF-style: chr9-140611162-C-G.
Other names: c.170C>G, p.Ser57Cys (NM_001145527.2, NM_001354263.2, NM_001354611.2); c.77C>G, p.Ser26Cys (NM_001354259.2, NM_001354612.2); short protein forms S57C, S26C.
Identifiers: ClinVar variation 1435387 (VCV001435387.8), dbSNP rs1245871526, ClinGen allele CA375762776.

ClinVar aggregate classification (germline): Uncertain significance (1 of 4 stars; one submission).

Conditions:
Kleefstra syndrome 1 (KLEFS1). Identifiers: Orphanet 261494, MedGen C0795833, MONDO:0027407, OMIM 610253.

Allele frequency attached by ClinVar (database versions not stated): TOPMed 0.00001.
gnomAD v4.1: 1 of 1,611,482 alleles (0.000062%); highest among the groups gnomAD compares: Non-Finnish European, 0.000085%; no homozygotes.

Submission:

Labcorp Genetics (formerly Invitae), Labcorp
Classification: Uncertain significance for Kleefstra syndrome 1. Last evaluated: 2021-03-30. Review status: criteria provided, single submitter. Criteria: Invitae Variant Classification Sherloc (09022015). Collection method: clinical testing. Allele origin: germline.
Comment: This sequence change replaces serine with cysteine at codon 57 of the EHMT1 protein (p.Ser57Cys). The serine residue is moderately conserved and there is a moderate physicochemical difference between serine and cysteine. This variant is not present in population databases (ExAC no frequency). In summary, the available evidence is currently insufficient to determine the role of this variant in disease. Therefore, it has been classified as a Variant of Uncertain Significance. Algorithms developed to predict the effect of missense changes on protein structure and function are either unavailable or do not agree on the potential impact of this missense change (SIFT: "Deleterious"; PolyPhen-2: "Benign"; Align-GVGD: "Class C0"). This variant has not been reported in the literature in individuals with EHMT1-related conditions.